The following is an entry in ClinVar:

ClinVar aggregate classification (germline): Pathogenic/Likely pathogenic. Review status: criteria provided, multiple submitters, no conflicts (2 of 4 stars). 7 submissions from 7 submitters: Pathogenic (4); Likely pathogenic (1). 2 of the submissions do not count toward it. Last evaluated 2025-11-19.

Conditions:
Dilated cardiomyopathy 1G (CMD1G). Identifiers: Orphanet 154, MedGen C1858763, MONDO:0011400, OMIM 604145.
Primary dilated cardiomyopathy (DCM). Also called: Dilated Cardiomyopathy. Identifiers: Orphanet 217604, MedGen C0007193, MeSH D002311, MONDO:0005021, HP:0001644. Inheritance: Various modes of inheritance.
Autosomal recessive limb-girdle muscular dystrophy type 2J (LGMDR10). Also called: Limb-girdle muscular dystrophy, type 2J; MUSCULAR DYSTROPHY, LIMB-GIRDLE, AUTOSOMAL RECESSIVE 10. Identifiers: Orphanet 140922, MedGen C1837342, MONDO:0012127, OMIM 608807.
Cardiomyopathy (CMYO). Also called: Cardiomyopathies. Identifiers: Orphanet 167848, MedGen C0878544, MONDO:0004994, HP:0001638. Inheritance: Various modes of inheritance.

Submissions (7):

Labcorp Genetics (formerly Invitae), Labcorp
Classification: Pathogenic for Dilated cardiomyopathy 1G; Autosomal recessive limb-girdle muscular dystrophy type 2J. Last evaluated: 2025-11-19. Review status: criteria provided, single submitter. Criteria: Invitae Variant Classification Sherloc (09022015). Collection method: clinical testing. Allele origin: germline.
Comment: This sequence change creates a premature translational stop signal (p.Arg17635*) in the TTN gene. While this is not anticipated to result in nonsense mediated decay, it is expected to create a truncated TTN protein. This variant is not present in population databases (gnomAD no frequency). This premature translational stop signal has been observed in individuals with dilated cardiomyopathy (PMID: 31112426, 32969603; internal data). ClinVar contains an entry for this variant (Variation ID: 1284567). This variant is located in the A band of TTN (PMID: 25589632). Truncating variants in this region are significantly overrepresented in patients affected with dilated cardiomyopathy (PMID: 25589632). Truncating variants in this region have also been reported in individuals affected with autosomal recessive centronuclear myopathy (PMID: 23975875). For these reasons, this variant has been classified as Pathogenic.

GeneDx
Classification: Pathogenic. Last evaluated: 2025-10-03. Review status: criteria provided, single submitter. Criteria: GeneDx Variant Classification Process June 2021. Collection method: clinical testing. Allele origin: germline.
Comment: Nonsense variant predicted to result in protein truncation or nonsense mediated decay in a gene for which loss of function is a known mechanism of disease; Located in the A-band, a region of TTN for which truncating variants are significantly associated with autosomal dominant cardiomyopathy and also with autosomal recessive skeletal myopathies (PMID: 22335739, 32778822); Not observed at significant frequency in large population cohorts (gnomAD); This variant is associated with the following publications: (PMID: 32969603, 31112426, 37728764, 22335739, 32778822)

3billion
Classification: Pathogenic for Dilated cardiomyopathy 1G. Last evaluated: 2024-12-03. Review status: criteria provided, single submitter. Criteria: ACMG Guidelines, 2015. Collection method: clinical testing. Allele origin: germline. Affected: yes.
Comment: The variant is not observed in the gnomAD v4.1.0 dataset. Predicted Consequence/Location: Stop-gained (nonsense): predicted to result in a loss or disruption of normal protein function through nonsense-mediated decay (NMD) or protein truncation. Multiple pathogenic variants are reported downstream of the variant. The variant has been reported at least twice as pathogenic without evidence for the classification (ClinVar ID: VCV001284567). Therefore, this variant is classified as Pathogenic according to the recommendation of ACMG/AMP guideline.

Lildballe Lab, Aarhus University Hospital
Classification: Pathogenic for dilated cardiomyopathy. Last evaluated: 2024-03-01. Review status: criteria provided, single submitter. Criteria: ACMG Guidelines, 2015. Collection method: research. Allele origin: germline. Affected: yes.
Comment: PS4(m), PVS1(vs), PM2(sup)

Women's Health and Genetics/Laboratory Corporation of America, LabCorp
Classification: Likely pathogenic for Cardiomyopathy. Last evaluated: 2021-09-21. Review status: criteria provided, single submitter. Criteria: LabCorp Variant Classification Summary - May 2015. Collection method: clinical testing. Allele origin: germline.
Comment: Variant summary: TTN NM_133378.4 c.45199C>T (p.Arg15067X, also known as c.52903C>T in NM_001267550.2) results in a premature termination codon in A-band, predicted to cause a truncation of the encoded protein or absence of the protein due to nonsense mediated decay, which are commonly known mechanisms for disease. Truncations downstream of this position have been classified as pathogenic by our laboratory. The variant was absent in 248490 control chromosomes. c.45199C>T has been reported in the literature in individuals affected with Cardiomyopathy (Jansen_2019, Carnevale_2020). These data indicate that the variant may be associated with disease. To our knowledge, no experimental evidence demonstrating an impact on protein function has been reported. No clinical diagnostic laboratories have submitted clinical-significance assessments for this variant to ClinVar after 2014. Based on the evidence outlined above, the variant was classified as likely pathogenic.

Clinical Genetics, Academic Medical Center
Classification: Likely pathogenic. Review status: no assertion criteria provided. Collection method: clinical testing. Allele origin: germline. Affected: yes. Study: VKGL Data-share Consensus. Not counted in ClinVar's aggregate classification.

Genome Diagnostics Laboratory, University Medical Center Utrecht
Classification: Likely pathogenic. Review status: no assertion criteria provided. Collection method: clinical testing. Allele origin: germline. Affected: yes. Study: VKGL Data-share Consensus. Not counted in ClinVar's aggregate classification.

Literature cited by the submitters: PubMed 31112426 (cited by Labcorp Genetics (formerly Invitae), Labcorp and Women's Health and Genetics/Laboratory Corporation of America, LabCorp); PubMed 32969603 (cited by Labcorp Genetics (formerly Invitae), Labcorp and Women's Health and Genetics/Laboratory Corporation of America, LabCorp); PubMed 25589632 (cited by Labcorp Genetics (formerly Invitae), Labcorp); PubMed 23975875 (cited by Labcorp Genetics (formerly Invitae), Labcorp); PubMed 25741922 (cited by Lildballe Lab, Aarhus University Hospital); PubMed 39481677 (cited by Lildballe Lab, Aarhus University Hospital).

NM_001267550.2(TTN):c.52903C>T (p.Arg17635Ter)

Genes: TTN (titin; minus strand), TTN-AS1 (TTN antisense RNA 1; plus strand), LOC126806425 (BRD4-independent group 4 enhancer GRCh37_chr2:179471933-179473132; plus strand). Cytogenetic location: 2q31.2.
Variant type: single nucleotide variant.
Coding change: c.52903C>T on transcript NM_001267550.2 (MANE Select); coding-DNA position 52903, C replaced by T.
Protein change: p.Arg17635Ter; replaces arginine 17635 with a stop codon.
Molecular consequence: nonsense.
Genome position (GRCh38, 1-based): chr2:178,607,884, G>A on the plus strand (C>T on the coding strand, the complement: TTN is on the minus strand). VCF-style: chr2-178607884-G-A. GRCh37 (hg19) VCF-style: chr2-179472611-G-A.
Other names: c.47980C>T, p.Arg15994Ter (NM_001256850.1); c.25708C>T, p.Arg8570Ter (NM_003319.4); c.45199C>T, p.Arg15067Ter (NM_133378.4); c.26083C>T, p.Arg8695Ter (NM_133432.3); c.26284C>T, p.Arg8762Ter (NM_133437.4); c.52903C>T (NM_001267550.1); short protein forms R15067*, R15994*, R17635*, R8570*, R8695*, R8762*.
Identifiers: ClinVar variation 1284567 (VCV001284567.12), dbSNP rs2154197219, ClinGen allele CA349569837.